The following is an entry in ClinVar:

NM_004415.4(DSP):c.2027G>A (p.Arg676His)

Gene: DSP (desmoplakin; plus strand). Cytogenetic location: 6p24.3.
Variant type: single nucleotide variant.
Coding change: c.2027G>A on transcript NM_004415.4 (MANE Select); coding-DNA position 2027, G replaced by A.
Protein change: p.Arg676His; replaces arginine 676 with histidine.
Molecular consequence: missense variant.
Genome position (GRCh38, 1-based): chr6:7,571,965, G>A. VCF-style: chr6-7571965-G-A. GRCh37 (hg19) VCF-style: chr6-7572198-G-A.
Other names: c.2027G>A, p.Arg676His (NM_001008844.3, NM_001319034.2); short protein forms R676H.
Identifiers: ClinVar variation 199865 (VCV000199865.18), dbSNP rs777782794, ClinGen allele CA005232.

ClinVar aggregate classification (germline): Conflicting classifications of pathogenicity. Review status: criteria provided, conflicting classifications (1 of 4 stars). 4 submissions from 4 submitters: Uncertain significance (3); Likely benign (1). Last evaluated 2025-12-30.

Conditions:
Cardiovascular phenotype. Identifiers: MedGen CN230736.
Arrhythmogenic cardiomyopathy with wooly hair and keratoderma. Also called: PALMOPLANTAR KERATODERMA WITH LEFT VENTRICULAR CARDIOMYOPATHY AND WOOLLY HAIR; Arrhythmogenic cardiomyopathy with woolly hair and keratoderma; Carvajal syndrome; Dilated cardiomyopathy with woolly hair and keratoderma. Identifiers: Orphanet 65282, MedGen C1854063, MONDO:0011581, OMIM 605676.
Arrhythmogenic right ventricular dysplasia 8 (ARVD8). Also called: ARRHYTHMOGENIC RIGHT VENTRICULAR DYSPLASIA, FAMILIAL, 8; ARRHYTHMOGENIC RIGHT VENTRICULAR CARDIOMYOPATHY 8; Arrhythmogenic Right Ventricular Dysplasia/Cardiomyopathy 8. Identifiers: MedGen C1843896, MONDO:0011831, OMIM 607450.
Cardiomyopathy (CMYO). Also called: Cardiomyopathies. Identifiers: Orphanet 167848, MedGen C0878544, MONDO:0004994, HP:0001638. Inheritance: Various modes of inheritance.

Allele frequency attached by ClinVar (database versions not stated): TOPMed below 0.00001; ExAC 0.00002; gnomAD exomes 0.00001 and 0.00002.

Submissions (4):

Ambry Genetics
Classification: Uncertain significance for Cardiovascular phenotype. Last evaluated: 2025-12-30. Review status: criteria provided, single submitter. Criteria: Ambry Variant Classification Scheme 2023. Collection method: clinical testing. Allele origin: germline.
Comment: The p.R676H variant (also known as c.2027G>A), located in coding exon 15 of the DSP gene, results from a G to A substitution at nucleotide position 2027. The arginine at codon 676 is replaced by histidine, an amino acid with highly similar properties. This amino acid position is highly conserved in available vertebrate species. In addition, the in silico prediction for this alteration is inconclusive. Based on the available evidence, the clinical significance of this variant remains unclear.

Labcorp Genetics (formerly Invitae), Labcorp
Classification: Likely benign for Arrhythmogenic cardiomyopathy with wooly hair and keratoderma; Arrhythmogenic right ventricular dysplasia 8. Last evaluated: 2025-04-11. Review status: criteria provided, single submitter. Criteria: Invitae Variant Classification Sherloc (09022015). Collection method: clinical testing. Allele origin: germline.

Color Diagnostics, LLC DBA Color Health
Classification: Uncertain significance for Cardiomyopathy. Last evaluated: 2024-11-14. Review status: criteria provided, single submitter. Criteria: ACMG Guidelines, 2015. Collection method: clinical testing. Allele origin: germline.
Comment: This missense variant replaces arginine with histidine at codon 676 of the DSP protein. Computational prediction suggests that this variant may not impact protein structure and function. To our knowledge, functional studies have not been reported for this variant. This variant has not been reported in individuals affected with cardiovascular disorders in the literature. This variant has been identified in 4/251202 chromosomes in the general population by the Genome Aggregation Database (gnomAD). The available evidence is insufficient to determine the role of this variant in disease conclusively. Therefore, this variant is classified as a Variant of Uncertain Significance.

All of Us Research Program, National Institutes of Health
Classification: Uncertain significance for Arrhythmogenic cardiomyopathy with wooly hair and keratoderma. Last evaluated: 2024-09-28. Review status: criteria provided, single submitter. Criteria: ACMG Guidelines, 2015. Collection method: clinical testing. Allele origin: germline. Inheritance: Autosomal dominant inheritance. Observed: 2 variant alleles, 2 heterozygotes.
Comment: This missense variant replaces arginine with histidine at codon 676 of the DSP protein. Computational prediction suggests that this variant may not impact protein structure and function (internally defined REVEL score threshold <= 0.5, PMID: 27666373). To our knowledge, functional studies have not been reported for this variant. This variant has not been reported in individuals affected with cardiovascular disorders in the literature. This variant has been identified in 4/251202 chromosomes in the general population by the Genome Aggregation Database (gnomAD). The available evidence is insufficient to determine the role of this variant in disease conclusively. Therefore, this variant is classified as a Variant of Uncertain Significance.

This study involves interpretation of variants in research participants for the purpose of population health screening. Participant phenotype was not available at the time of variant classification. Additional details can be found in publication PMID: 35346344, PMCID: PMC8962531